The following is an entry in ClinVar:

NM_000492.4(CFTR):c.2491-1G>A

Gene: CFTR (CF transmembrane conductance regulator; plus strand). Cytogenetic location: 7q31.2.
Variant type: single nucleotide variant.
Coding change: c.2491-1G>A on transcript NM_000492.4 (MANE Select); the canonical splice acceptor site of the intron before coding-DNA position 2491, G replaced by A.
Molecular consequence: splice acceptor variant.
Genome position (GRCh38, 1-based): chr7:117,594,929, G>A. VCF-style: chr7-117594929-G-A. GRCh37 (hg19) VCF-style: chr7-117234983-G-A.
Other names: c.2491-1G>A (NM_000492.3).
Identifiers: ClinVar variation 3768913 (VCV003768913.2).

ClinVar aggregate classification (germline): Likely pathogenic. Review status: criteria provided, multiple submitters, no conflicts (2 of 4 stars). 2 submissions from 2 submitters: Likely pathogenic (2). Last evaluated 2025-10-21.

Conditions:
Cystic fibrosis (CF). Also called: MUCOVISCIDOSIS. Identifiers: Orphanet 586, MedGen C0010674, MONDO:0009061, OMIM 219700. Disease mechanism: loss of function.
CFTR-related disorder (CFTR-RD). Also called: CFTR-related disorders; CFTR-related condition. Identifiers: MedGen C5924204, MONDO:7770004.

gnomAD v4.1: 1 of 1,612,568 alleles (0.000062%); highest among the groups gnomAD compares: Non-Finnish European, 0.000085%; no homozygotes.

Submissions (2):

Natera, Inc.
Classification: Likely pathogenic for CFTR-related disorders. Last evaluated: 2025-10-21. Review status: criteria provided, single submitter. Criteria: Natera Variant Classification Schema (03/2026). Collection method: clinical testing. Allele origin: germline.
Comment: The c.2491-1G>A variant in CFTR is a canonical splice acceptor site variant predicted to affect pre-mRNA splicing, which may result in an abnormal transcript and altered protein product. This variant is expected to result in nonsense mediated decay, truncation, or a dysfunctional protein product. This variant is rare in the general population with a frequency below the threshold expected for the associated phenotype(s). Given the available evidence, this variant is classified as Likely Pathogenic.

Women's Health and Genetics/Laboratory Corporation of America, LabCorp
Classification: Likely pathogenic for Cystic fibrosis. Last evaluated: 2025-02-20. Review status: criteria provided, single submitter. Criteria: LabCorp Variant Classification Summary - May 2015. Collection method: clinical testing. Allele origin: germline.
Comment: Variant summary: CFTR c.2491-1G>A is located in a canonical splice-site and is predicted to affect mRNA splicing resulting in a significantly altered protein due to either exon skipping, shortening, or inclusion of intronic material. Variants that disrupt the consensus splice site are a relatively common cause of aberrant splicing and loss of CFTR function. Several computational tools predict a significant impact on normal splicing: Four predict the variant abolishes a canonical 3' acceptor site. However, these predictions have yet to be confirmed by functional studies. The variant was absent in 251276 control chromosomes. To our knowledge, no occurrence of c.2491-1G>A in individuals affected with Cystic Fibrosis and no experimental evidence demonstrating its impact on protein function have been reported. No submitters have cited clinical-significance assessments for this variant to ClinVar. Based on the evidence outlined above, the variant was classified as likely pathogenic.